The following is an entry in ClinVar:

ClinVar aggregate classification (germline): Benign. Review status: criteria provided, single submitter (1 of 4 stars). 2 submissions from 2 submitters: Benign (1). 1 of the submissions does not count toward it. Last evaluated 2025-12-18.

Conditions:
NUP133-related disorder. Also called: NUP133-related condition.

Allele frequency attached by ClinVar (database versions not stated): TOPMed 0.00006; gnomAD 0.00023; gnomAD exomes 0.00044; ExAC 0.00105; 1000 Genomes Project 30x 0.00203; 1000 Genomes Project 0.00240.
gnomAD v4.1: 681 of 1,614,154 alleles (0.042%); highest among the groups gnomAD compares: South Asian, 0.71%; 16 homozygotes.

Submissions (2):

Labcorp Genetics (formerly Invitae), Labcorp
Classification: Benign. Last evaluated: 2025-12-18. Review status: criteria provided, single submitter. Criteria: Invitae Variant Classification Sherloc (09022015). Collection method: clinical testing. Allele origin: germline.

PreventionGenetics, part of Exact Sciences
Classification: Benign for NUP133-related condition. Last evaluated: 2019-04-02. Review status: no assertion criteria provided. Collection method: clinical testing. Allele origin: germline. Not counted in ClinVar's aggregate classification.
Comment: This variant is classified as benign based on ACMG/AMP sequence variant interpretation guidelines (Richards et al. 2015 PMID: 25741868, with internal and published modifications).

NM_018230.3(NUP133):c.1999G>A (p.Ala667Thr)

Gene: NUP133 (nucleoporin 133; minus strand). Cytogenetic location: 1q42.13.
Variant type: single nucleotide variant.
Coding change: c.1999G>A on transcript NM_018230.3 (MANE Select); coding-DNA position 1999, G replaced by A.
Protein change: p.Ala667Thr; replaces alanine 667 with threonine.
Molecular consequence: missense variant.
Genome position (GRCh38, 1-based): chr1:229,470,657, C>T on the plus strand (G>A on the coding strand, the complement: NUP133 is on the minus strand). VCF-style: chr1-229470657-C-T. GRCh37 (hg19) VCF-style: chr1-229606404-C-T.
Other names: c.1999G>A (NM_018230.2); short protein forms A667T.
Identifiers: ClinVar variation 2175701 (VCV002175701.6), dbSNP rs569731659, ClinGen allele CA1443398.